The following is an entry in ClinVar:

NM_002471.4(MYH6):c.1141+11C>T

Gene: MYH6 (myosin heavy chain 6; minus strand). Cytogenetic location: 14q11.2.
Variant type: single nucleotide variant.
Coding change: c.1141+11C>T on transcript NM_002471.4 (MANE Select); 11 bases into the intron after coding-DNA position 1141, C replaced by T.
Molecular consequence: intron variant.
Genome position (GRCh38, 1-based): chr14:23,402,453, G>A on the plus strand (C>T on the coding strand, the complement: MYH6 is on the minus strand). VCF-style: chr14-23402453-G-A. GRCh37 (hg19) VCF-style: chr14-23871662-G-A.
Identifiers: ClinVar variation 508498 (VCV000508498.9), dbSNP rs373521230, ClinGen allele CA7115892.

ClinVar aggregate classification (germline): Likely benign. Review status: criteria provided, multiple submitters, no conflicts (2 of 4 stars). 3 submissions from 3 submitters: Likely benign (3). Last evaluated 2024-12-22.

Conditions:
Hypertrophic cardiomyopathy 1 (CMH1). Also called: MYH7-Related Familial Hypertrophic Cardiomyopathy; Familial hypertrophic cardiomyopathy 1. Identifiers: MedGen C3495498, MONDO:0008647, OMIM 192600.
Sick sinus syndrome 3, susceptibility to (SSS3). Identifiers: Orphanet 166282, MedGen C3279791, MONDO:0013568, OMIM 614090.
Atrial septal defect 3 (ASD3). Identifiers: Orphanet 1478, MedGen C3279790, MONDO:0013567, OMIM 614089.
Dilated cardiomyopathy 1EE (CMD1EE). Identifiers: Orphanet 154, MedGen C2750466, MONDO:0013198, OMIM 613252.
Hypertrophic cardiomyopathy 14. Identifiers: MedGen C2750467, MONDO:0013197, OMIM 613251.

Allele frequency attached by ClinVar (database versions not stated): gnomAD exomes 0.00005; ExAC 0.00006; TOPMed 0.00006; gnomAD 0.00007 and 0.00008; ESP Exome Variant Server 0.00008.
gnomAD v4.1: 53 of 1,612,376 alleles (0.0033%); highest among the groups gnomAD compares: South Asian, 0.041%; no homozygotes.

Submissions (3):

Labcorp Genetics (formerly Invitae), Labcorp
Classification: Likely benign for Hypertrophic cardiomyopathy 14. Last evaluated: 2024-12-22. Review status: criteria provided, single submitter. Criteria: Invitae Variant Classification Sherloc (09022015). Collection method: clinical testing. Allele origin: germline.

Fulgent Genetics
Classification: Likely benign for Hypertrophic cardiomyopathy 1; Hypertrophic cardiomyopathy 14; Dilated cardiomyopathy 1EE; Atrial septal defect 3; Sick sinus syndrome 3, susceptibility to. Last evaluated: 2021-08-13. Review status: criteria provided, single submitter. Criteria: ACMG Guidelines, 2015. Collection method: clinical testing. Allele origin: unknown.

GeneDx
Classification: Likely benign. Last evaluated: 2017-04-03. Review status: criteria provided, single submitter. Criteria: GeneDx Variant Classification (06012015). Collection method: clinical testing. Allele origin: germline. Affected: yes.
Comment: This variant is considered likely benign or benign based on one or more of the following criteria: it is a conservative change, it occurs at a poorly conserved position in the protein, it is predicted to be benign by multiple in silico algorithms, and/or has population frequency not consistent with disease.